The following is an entry in ClinVar:

NM_201550.4(LRRC10):c.76C>T (p.Arg26Cys)

Gene: LRRC10 (leucine rich repeat containing 10; minus strand). Cytogenetic location: 12q15.
Variant type: single nucleotide variant.
Coding change: c.76C>T on transcript NM_201550.4 (MANE Select); coding-DNA position 76, C replaced by T.
Protein change: p.Arg26Cys; replaces arginine 26 with cysteine.
Molecular consequence: missense variant.
Genome position (GRCh38, 1-based): chr12:69,610,763, G>A on the plus strand (C>T on the coding strand, the complement: LRRC10 is on the minus strand). VCF-style: chr12-69610763-G-A. GRCh37 (hg19) VCF-style: chr12-70004543-G-A.
Other names: short protein forms R26C.
Identifiers: ClinVar variation 645534 (VCV000645534.9), dbSNP rs773143752, ClinGen allele CA6681144.
Genomic context (GRCh38, chr12:69,610,763, plus strand): 5'-GGGGGAAGCGGCGTAACTGGCTCCCACTCAGATCCACCATCTTGTCCAGCGGCATCTCAC[G>A]GAGGTCCCTGACCACATAGTTCTGGCAACGGTCAGCAGGGATGAAGGCCACGAGGGCCCT-3'
Protein context (NP_963844.2, residues 16-36): RCQNYVVRDL[Arg26Cys]EMPLDKMVDL

ClinVar aggregate classification (germline): Conflicting classifications of pathogenicity. Review status: criteria provided, conflicting classifications (1 of 4 stars). 2 submissions from 2 submitters: Uncertain significance (1); Likely benign (1). Last evaluated 2024-03-15.

Allele frequency attached by ClinVar (database versions not stated): ExAC 0.00001; gnomAD 0.00001; gnomAD exomes 0.00001; TOPMed 0.00002.

Submissions (2):

Blueprint Genetics
Classification: Likely benign. Last evaluated: 2024-03-15. Review status: criteria provided, single submitter. Criteria: ACMG Guidelines, 2015. Collection method: clinical testing. Allele origin: germline.

Labcorp Genetics (formerly Invitae), Labcorp
Classification: Uncertain significance. Last evaluated: 2024-03-04. Review status: criteria provided, single submitter. Criteria: Invitae Variant Classification Sherloc (09022015). Collection method: clinical testing. Allele origin: germline.
Comment: This sequence change replaces arginine, which is basic and polar, with cysteine, which is neutral and slightly polar, at codon 26 of the LRRC10 protein (p.Arg26Cys). This variant is present in population databases (rs773143752, gnomAD 0.006%). This variant has not been reported in the literature in individuals affected with LRRC10-related conditions. ClinVar contains an entry for this variant (Variation ID: 645534). An algorithm developed to predict the effect of missense changes on protein structure and function (PolyPhen-2) suggests that this variant is likely to be tolerated. In summary, the available evidence is currently insufficient to determine the role of this variant in disease. Therefore, it has been classified as a Variant of Uncertain Significance.